The following is an entry in ClinVar:

NM_003719.5(PDE8B):c.1030G>A (p.Val344Ile)

Gene: PDE8B (phosphodiesterase 8B; plus strand). Cytogenetic location: 5q13.3.
Variant type: single nucleotide variant.
Coding change: c.1030G>A on transcript NM_003719.5 (MANE Select); coding-DNA position 1030, G replaced by A.
Protein change: p.Val344Ile; replaces valine 344 with isoleucine.
Molecular consequence: missense variant. On other transcripts: intron variant (6).
Genome position (GRCh38, 1-based): chr5:77,351,077, G>A. VCF-style: chr5-77351077-G-A. GRCh37 (hg19) VCF-style: chr5-76646902-G-A.
Other names: c.1030G>A, p.Val344Ile (NM_001029852.4, NM_001376063.1); c.970G>A, p.Val324Ile (NM_001029853.4); c.889G>A, p.Val297Ile (NM_001029854.4); c.1027G>A, p.Val343Ile (NM_001349748.3, NM_001349751.3); c.1093G>A, p.Val365Ile (NM_001349749.3); c.790G>A, p.Val264Ile (NM_001349750.3); c.724G>A, p.Val242Ile (NM_001349752.3); c.658G>A, p.Val220Ile (NM_001349753.2, NM_001376067.1, NM_001376068.1 and 2 more transcripts); and 11 more; short protein forms V196I, V264I, V195I, V223I, V297I, V344I, V216I, V220I.
Identifiers: ClinVar variation 2171530 (VCV002171530.4), dbSNP rs369585238, ClinGen allele CA3315116.
Genomic context (GRCh38, chr5:77,351,077, plus strand): 5'-CTGTCATCCTTGACTGAAGGATTTTAAGAGCTCTCTTTGTCCATGTAGGAGTGGCAGGGG[G>A]TTTACTATGCCAGACGGAAATCCGGGGACAGCATCCAACAGCACGTGAAGATCACCCCAG-3'
Protein context (NP_003710.1, residues 334-354): CIKKGKEWQG[Val344Ile]YYARRKSGDS

ClinVar aggregate classification (germline): Uncertain significance (1 of 4 stars; one submission).

Allele frequency attached by ClinVar (database versions not stated): TOPMed 0.00001; gnomAD 0.00003; ExAC 0.00004; 1000 Genomes Project 30x 0.00031; 1000 Genomes Project 0.00040.

Submission:

Labcorp Genetics (formerly Invitae), Labcorp
Classification: Uncertain significance. Last evaluated: 2022-04-03. Review status: criteria provided, single submitter. Criteria: Invitae Variant Classification Sherloc (09022015). Collection method: clinical testing. Allele origin: germline.
Comment: In summary, the available evidence is currently insufficient to determine the role of this variant in disease. Therefore, it has been classified as a Variant of Uncertain Significance. Algorithms developed to predict the effect of sequence changes on RNA splicing suggest that this variant may create or strengthen a splice site. Algorithms developed to predict the effect of missense changes on protein structure and function output the following: SIFT: "Tolerated"; PolyPhen-2: "Benign"; Align-GVGD: "Class C0". The isoleucine amino acid residue is found in multiple mammalian species, which suggests that this missense change does not adversely affect protein function. This variant has not been reported in the literature in individuals affected with PDE8B-related conditions. This variant is present in population databases (rs369585238, gnomAD 0.02%). This sequence change replaces valine, which is neutral and non-polar, with isoleucine, which is neutral and non-polar, at codon 344 of the PDE8B protein (p.Val344Ile).